The following is an entry in ClinVar:

ClinVar aggregate classification (germline): Uncertain significance (1 of 4 stars; one submission).

gnomAD v4.1: 2 of 1,606,162 alleles (0.00012%); highest among the groups gnomAD compares: Non-Finnish European, 0.00017%; no homozygotes.

Submission:

GeneDx
Classification: Uncertain significance. Last evaluated: 2024-05-10. Review status: criteria provided, single submitter. Criteria: GeneDx Variant Classification Process June 2021. Collection method: clinical testing. Allele origin: germline. Affected: yes.
Comment: Not observed at significant frequency in large population cohorts (gnomAD); In silico analysis indicates that this missense variant does not alter protein structure/function; Has not been previously published as pathogenic or benign to our knowledge; In silico analysis suggests this variant may impact gene splicing. In the absence of RNA/functional studies, the actual effect of this sequence change is unknown.

NM_006045.3(ATP9A):c.164G>T (p.Arg55Leu)

Gene: ATP9A (ATPase phospholipid transporting 9A (putative); minus strand). Cytogenetic location: 20q13.2.
Variant type: single nucleotide variant.
Coding change: c.164G>T on transcript NM_006045.3 (MANE Select); coding-DNA position 164, G replaced by T.
Protein change: p.Arg55Leu; replaces arginine 55 with leucine.
Molecular consequence: missense variant.
Genome position (GRCh38, 1-based): chr20:51,729,883, C>A on the plus strand (G>T on the coding strand, the complement: ATP9A is on the minus strand). VCF-style: chr20-51729883-C-A. GRCh37 (hg19) VCF-style: chr20-50346422-C-A.
Other names: short protein forms R55L.
Identifiers: ClinVar variation 3375704 (VCV003375704.1).